The following is an entry in ClinVar:

ClinVar aggregate classification (germline): Uncertain significance (1 of 4 stars; one submission).

Submission:

GeneDx
Classification: Uncertain significance. Last evaluated: 2025-05-06. Review status: criteria provided, single submitter. Criteria: GeneDx Variant Classification Process June 2021. Collection method: clinical testing. Allele origin: germline.
Comment: Not observed at significant frequency in large population cohorts (gnomAD); In silico analysis suggests that this missense variant does not alter protein structure/function; Has not been previously published as pathogenic or benign to our knowledge; This variant is associated with the following publications: (PMID: 18184292)

NM_000702.4(ATP1A2):c.1933C>T (p.Leu645Phe)

Gene: ATP1A2 (ATPase Na+/K+ transporting subunit alpha 2; plus strand). Cytogenetic location: 1q23.2.
Variant type: single nucleotide variant.
Coding change: c.1933C>T on transcript NM_000702.4 (MANE Select); coding-DNA position 1933, C replaced by T.
Protein change: p.Leu645Phe; replaces leucine 645 with phenylalanine.
Molecular consequence: missense variant.
Genome position (GRCh38, 1-based): chr1:160,134,589, C>T. VCF-style: chr1-160134589-C-T. GRCh37 (hg19) VCF-style: chr1-160104379-C-T.
Other names: short protein forms L645F.
Identifiers: ClinVar variation 2501913 (VCV002501913.2), dbSNP rs2524884267, ClinGen allele CA343247166.